The following is an entry in ClinVar:

NM_001177949.2(SYCP3):c.59A>G (p.Gln20Arg)

Gene: SYCP3 (synaptonemal complex protein 3; minus strand). Cytogenetic location: 12q23.2.
Variant type: single nucleotide variant.
Coding change: c.59A>G on transcript NM_001177949.2 (MANE Select); coding-DNA position 59, A replaced by G.
Protein change: p.Gln20Arg; replaces glutamine 20 with arginine.
Molecular consequence: missense variant.
Genome position (GRCh38, 1-based): chr12:101,737,877, T>C on the plus strand (A>G on the coding strand, the complement: SYCP3 is on the minus strand). VCF-style: chr12-101737877-T-C. GRCh37 (hg19) VCF-style: chr12-102131655-T-C.
Other names: c.59A>G, p.Gln20Arg (NM_001177948.2, NM_153694.5); short protein forms Q20R.
Identifiers: ClinVar variation 880980 (VCV000880980.5), dbSNP rs143228358, ClinGen allele CA6746019.

ClinVar aggregate classification (germline): Benign/Likely benign. Review status: criteria provided, multiple submitters, no conflicts (2 of 4 stars). 2 submissions from 2 submitters: Benign (1); Likely benign (1). Last evaluated 2026-03-26.

Conditions:
Spermatogenic failure 4. Also called: AZOOSPERMIA WITH MATURATION ARREST; PREGNANCY LOSS 4. Identifiers: MedGen C0232981, MONDO:0010052, OMIM 270960.
SYCP3-related condition.

Allele frequency attached by ClinVar (database versions not stated): gnomAD 0.00020 and 0.00035; TOPMed 0.00031; ESP Exome Variant Server 0.00038; 1000 Genomes Project 30x 0.00047; 1000 Genomes Project 0.00060; gnomAD exomes 0.00064 and 0.00085; ExAC 0.00080.
gnomAD v4.1: 1,000 of 1,614,224 alleles (0.062%); highest among the groups gnomAD compares: South Asian, 0.42%; 8 homozygotes.

Submissions (2):

PreventionGenetics, part of Exact Sciences
Classification: Likely benign for SYCP3-related condition. Last evaluated: 2026-03-26. Review status: criteria provided, single submitter. Criteria: ACMG Guidelines, 2015. Collection method: clinical testing. Allele origin: germline.
Comment: This variant is classified as likely benign based on ACMG/AMP sequence variant interpretation guidelines (Richards et al. 2015 PMID: 25741868, with internal and published modifications).

Illumina Laboratory Services, Illumina
Classification: Benign for Spermatogenic failure 4. Last evaluated: 2018-01-13. Review status: criteria provided, single submitter. Criteria: ICSL Variant Classification Criteria 13 December 2019. Collection method: clinical testing. Allele origin: germline.
Comment: This variant was observed in the ICSL laboratory as part of a predisposition screen in an ostensibly healthy population. It had not been previously curated by ICSL or reported in the Human Gene Mutation Database (HGMD: prior to June 1st, 2018), and was therefore a candidate for classification through an automated scoring system. Utilizing variant allele frequency, disease prevalence and penetrance estimates, and inheritance mode, an automated score was calculated to assess if this variant is too frequent to cause the disease. Based on the score and internal cut-off values, a variant classified as benign is not then subjected to further curation. The score for this variant resulted in a classification of benign for this disease.